The following is an entry in ClinVar:

NM_153766.3(KCNJ1):c.887T>G (p.Val296Gly)

Gene: KCNJ1 (potassium inwardly rectifying channel subfamily J member 1; minus strand). Cytogenetic location: 11q24.3.
Variant type: single nucleotide variant.
Coding change: c.887T>G on transcript NM_153766.3 (MANE Select); coding-DNA position 887, T replaced by G.
Protein change: p.Val296Gly; replaces valine 296 with glycine.
Molecular consequence: missense variant.
Genome position (GRCh38, 1-based): chr11:128,839,357, A>C on the plus strand (T>G on the coding strand, the complement: KCNJ1 is on the minus strand). VCF-style: chr11-128839357-A-C. GRCh37 (hg19) VCF-style: chr11-128709252-A-C.
Other names: c.944T>G, p.Val315Gly (NM_000220.6); c.887T>G, p.Val296Gly (NM_153764.3, NM_153767.4); c.938T>G, p.Val313Gly (NM_153765.3); short protein forms V296G, V313G, V315G.
Identifiers: ClinVar variation 1683231 (VCV001683231.6), dbSNP rs753949204, ClinGen allele CA6357430.
Genomic context (GRCh38, chr11:128,839,357, plus strand): 5'-CCTTCCTTTGTCTTGGATACTATGGGAGCAAAACGGTAGCCCCAAAGCACCTCCTCTGGG[A>C]CATAGGATGTCCGGACTTGGCAGGTAGCACTGGTGGACTCCACTGTGCCATCTAAAAACA-3'
Protein context (NP_722450.1, residues 286-306): SATCQVRTSY[Val296Gly]PEEVLWGYRF

ClinVar aggregate classification (germline): Pathogenic/Likely pathogenic. Review status: criteria provided, multiple submitters, no conflicts (2 of 4 stars). 4 submissions from 4 submitters: Pathogenic (3); Likely pathogenic (1). Last evaluated 2024-10-15.

Conditions:
KCNJ1-related disorders.
Bartter disease type 2. Also called: HYPERPROSTAGLANDIN E SYNDROME 2; Bartter syndrome, type 2, antenatal; HYPOKALEMIC ALKALOSIS WITH HYPERCALCIURIA 2, ANTENATAL. Identifiers: Orphanet 112, Orphanet 620220, MedGen C1855849, MONDO:0009424, OMIM 241200.
Bartter syndrome. Identifiers: Orphanet 112, MedGen C0004775, MONDO:0015231.

Allele frequency attached by ClinVar (database versions not stated): gnomAD exomes below 0.00001; TOPMed below 0.00001; ExAC 0.00001; gnomAD 0.00001.
gnomAD v4.1: 8 of 1,614,036 alleles (0.0005%); highest among the groups gnomAD compares: Non-Finnish European, 0.00068%; no homozygotes.

Submissions (4):

Labcorp Genetics (formerly Invitae), Labcorp
Classification: Pathogenic. Last evaluated: 2024-10-15. Review status: criteria provided, single submitter. Criteria: Invitae Variant Classification Sherloc (09022015). Collection method: clinical testing. Allele origin: germline.
Comment: This sequence change replaces valine, which is neutral and non-polar, with glycine, which is neutral and non-polar, at codon 315 of the KCNJ1 protein (p.Val315Gly). This variant is present in population databases (rs753949204, gnomAD 0.0009%). This missense change has been observed in individuals with Bartter syndrome (PMID: 9002665, 11318951, 19096086, 23782368). ClinVar contains an entry for this variant (Variation ID: 1683231). An algorithm developed to predict the effect of missense changes on protein structure and function (PolyPhen-2) suggests that this variant is likely to be disruptive. Experimental studies have shown that this missense change affects KCNJ1 function (PMID: 9015377). For these reasons, this variant has been classified as Pathogenic.

Blueprint Genetics
Classification: Pathogenic for KCNJ1-related disorders. Last evaluated: 2024-03-19. Review status: criteria provided, single submitter. Criteria: ACMG Guidelines, 2015. Collection method: clinical testing. Allele origin: germline. Affected: yes. Observed: 5 variant alleles.

Fulgent Genetics
Classification: Likely pathogenic for Bartter disease type 2. Last evaluated: 2024-01-07. Review status: criteria provided, single submitter. Criteria: ACMG Guidelines, 2015. Collection method: clinical testing. Allele origin: germline.

Women's Health and Genetics/Laboratory Corporation of America, LabCorp
Classification: Pathogenic for Bartter syndrome. Last evaluated: 2022-04-05. Review status: criteria provided, single submitter. Criteria: LabCorp Variant Classification Summary - May 2015. Collection method: clinical testing. Allele origin: germline.
Comment: Variant summary: KCNJ1 c.944T>G (p.Val315Gly) results in a non-conservative amino acid change located in the Inward rectifier potassium channel, C-terminal domain of the encoded protein sequence. Five of five in-silico tools predict a damaging effect of the variant on protein function. The variant allele was found at a frequency of 4e-06 in 251166 control chromosomes. c.944T>G has been reported in the literature in multiple individuals affected with Bartter Syndrome, Type 2 including homozygous and compound heterozygous individuals (Karolyi_1997, Borchard_2009, Fretzayas_2013). These data indicate that the variant is very likely to be associated with disease. Expression studies showed that the variant lies adjacent to the cAMP-dependent PKA phosphorylation domain in the C-terminal part of the protein and results in an impaired K+ trafficking (Derst_1997). No clinical diagnostic laboratories have submitted clinical-significance assessments for this variant to ClinVar after 2014. Based on the evidence outlined above, the variant was classified as pathogenic.

Literature cited by the submitters: PubMed 9002665 (cited by Labcorp Genetics (formerly Invitae), Labcorp); PubMed 11318951 (cited by Labcorp Genetics (formerly Invitae), Labcorp); PubMed 19096086 (cited by Labcorp Genetics (formerly Invitae), Labcorp and Women's Health and Genetics/Laboratory Corporation of America, LabCorp); PubMed 23782368 (cited by Labcorp Genetics (formerly Invitae), Labcorp and Women's Health and Genetics/Laboratory Corporation of America, LabCorp); PubMed 9015377 (cited by Labcorp Genetics (formerly Invitae), Labcorp and Women's Health and Genetics/Laboratory Corporation of America, LabCorp); PubMed 9587066 (cited by Women's Health and Genetics/Laboratory Corporation of America, LabCorp); PubMed 12081585 (cited by Women's Health and Genetics/Laboratory Corporation of America, LabCorp).